The following is an entry in ClinVar:

ClinVar aggregate classification (germline): Uncertain significance (1 of 4 stars; one submission).

Conditions:
Immunodeficiency, developmental delay, and hypohomocysteinemia. Identifiers: MedGen C4540293, MONDO:0060591, OMIM 617744.

Allele frequency attached by ClinVar (database versions not stated): gnomAD 0.00001; 1000 Genomes Project 30x 0.00016.
gnomAD v4.1: 1 of 1,614,212 alleles (0.000062%); highest among the groups gnomAD compares: East Asian, 0.0022%; no homozygotes.

Submission:

Neuberg Centre For Genomic Medicine, NCGM
Classification: Uncertain significance for Immunodeficiency, developmental delay, and hypohomocysteinemia. Review status: criteria provided, single submitter. Criteria: ACMG Guidelines, 2015. Collection method: clinical testing. Allele origin: germline. Inheritance: Autosomal dominant inheritance. Affected: yes.
Comment: The c.204A>C (p.Lys68Asn) missense variant in NFE2L2 gene has not been reported previously as a pathogenic variant nor as a benign variant, to our knowledge. The p.Lys68Asn variant is novel (not in any individuals) in gnomAD Exomes and 1000 Genomes. The amino acid Lys at position 68 is changed to a Asn changing protein sequence and it might alter its composition and physico-chemical properties. The variant is predicted to be damaging by SIFT and the residue is variable across species. The amino acid change p.Lys68Asn in NFE2L2 is predicted as conserved by PhyloP across 100 vertebrates. For these reasons, this variant has been classified as Variant of Uncertain Significance (VUS).

NM_006164.5(NFE2L2):c.204A>C (p.Lys68Asn)

Gene: NFE2L2 (NFE2 like bZIP transcription factor 2; minus strand). Cytogenetic location: 2q31.2.
Variant type: single nucleotide variant.
Coding change: c.204A>C on transcript NM_006164.5 (MANE Select); coding-DNA position 204, A replaced by C.
Protein change: p.Lys68Asn; replaces lysine 68 with asparagine.
Molecular consequence: missense variant. On other transcripts: 5 prime UTR variant (1), intron variant (1).
Genome position (GRCh38, 1-based): chr2:177,234,113, T>G on the plus strand (A>C on the coding strand, the complement: NFE2L2 is on the minus strand). VCF-style: chr2-177234113-T-G. GRCh37 (hg19) VCF-style: chr2-178098841-T-G.
Other names: c.156A>C, p.Lys52Asn (NM_001145412.3, NM_001145413.3, NM_001313900.1 and 1 more transcripts); c.204A>C, p.Lys68Asn (NM_001313902.2); c.-26A>C (NM_001313904.1); c.93+111A>C (NM_001313903.2); short protein forms K68N, K52N.
Identifiers: ClinVar variation 2585463 (VCV002585463.1), dbSNP rs2105458771, ClinGen allele CA349380743.